The following is an entry in ClinVar:

ClinVar aggregate classification (germline): Likely pathogenic. Review status: reviewed by expert panel (3 of 4 stars). 3 submissions from 3 submitters: Likely pathogenic (1). 2 of the submissions do not count toward it. Last evaluated 2024-03-28.

Conditions:
Nonsyndromic genetic hearing loss. Also called: Non-syndromic genetic deafness; Nonsyndromic genetic deafness; Nonsyndromic hearing loss and deafness. Identifiers: Orphanet 87884, MedGen C5680182, MONDO:0019497.
Autosomal recessive nonsyndromic hearing loss 1A (DFNB1A). Also called: Deafness, autosomal recessive 1A; GJB6-Related DFNB 1 Nonsyndromic Hearing Loss and Deafness; GJB2-Related Autosomal Recessive Nonsyndromic Hearing Loss; Connexin 26 deafness; Deafness nonsyndromic, Connexin 26 linked; Nonsyndromic Hearing Loss and Deafness, DFNB1. Identifiers: Orphanet 90636, MedGen C2673759, MONDO:0009076, OMIM 220290.

Submissions (3):

ClinGen Hearing Loss Variant Curation Expert Panel
Classification: Likely pathogenic for Nonsyndromic genetic hearing loss. Last evaluated: 2024-03-28. Review status: reviewed by expert panel. Criteria: Clingen Hl Acmg Specifications Cdh23 Coch Gjb2 Kcnq4 Myo6 Myo7a Slc26a4 Tecta Ush2a V2. Collection method: curation. Allele origin: germline. Inheritance: Autosomal recessive inheritance.
Comment: The 1A>T (p.Met1Leu) variant in GJB2 may cause a truncated or absent protein by altering the start codon of the coding sequence and is predicted to lead to the omission of a critical region of the protein. There have been multiple pathogenic variants observed in the region between this site and the next expected start codon (PVS1; ClinVar Variation IDs: 21387, 188758). There are also multiple pathogenic/likely pathogenic start-loss variants at this position which may indicate that this residue is critical to the function of the protein (ClinVar Variation IDs: 44729, 2070085, 551915, 371781). This variant is absent from gnomAD v2.1.1 (PM2_Supporting). In summary, this variant meets criteria to be classified as likely pathogenic for autosomal recessive hearing loss based on the ACMG/AMP criteria applied as specified by the Hearing Loss Expert Panel: PVS1, PM2_Supporting (VCEP specifications version 2; 10.18.2023).

Labcorp Genetics (formerly Invitae), Labcorp
Classification: Pathogenic. Last evaluated: 2025-03-13. Review status: criteria provided, single submitter. Criteria: Invitae Variant Classification Sherloc (09022015). Collection method: clinical testing. Allele origin: germline. Not counted in ClinVar's aggregate classification.
Comment: This sequence change affects the initiator methionine of the GJB2 mRNA. The next in-frame methionine is located at codon 34. This variant is not present in population databases (gnomAD no frequency). Disruption of the initiator codon has been observed in individual(s) with autosomal recessive non-syndromic deafness (PMID: 9482292, 10218527, 18941476, 20146813, 29542069, 29605365). In at least one individual the data is consistent with being in trans (on the opposite chromosome) from a pathogenic variant. ClinVar contains an entry for this variant (Variation ID: 550716). Studies have shown that disruption of the initiator codon alters GJB2 gene expression (PMID: 12189493). For these reasons, this variant has been classified as Pathogenic.

Counsyl
Classification: Likely pathogenic for Autosomal recessive nonsyndromic hearing loss 1A. Last evaluated: 2017-02-09. Review status: no assertion criteria provided. Collection method: clinical testing. Allele origin: unknown. Not counted in ClinVar's aggregate classification.

Literature cited by the submitters: PubMed 9482292 (cited by Labcorp Genetics (formerly Invitae), Labcorp); PubMed 10218527 (cited by Labcorp Genetics (formerly Invitae), Labcorp); PubMed 18941476 (cited by Labcorp Genetics (formerly Invitae), Labcorp); PubMed 20146813 (cited by Labcorp Genetics (formerly Invitae), Labcorp); PubMed 29542069 (cited by Labcorp Genetics (formerly Invitae), Labcorp); PubMed 29605365 (cited by Labcorp Genetics (formerly Invitae), Labcorp); PubMed 12189493 (cited by Labcorp Genetics (formerly Invitae), Labcorp).

NM_004004.6(GJB2):c.1A>T (p.Met1Leu)

Gene: GJB2 (gap junction protein beta 2; minus strand). Cytogenetic location: 13q12.11.
Variant type: single nucleotide variant.
Coding change: c.1A>T on transcript NM_004004.6 (MANE Select); coding-DNA position 1, A replaced by T.
Protein change: p.Met1Leu; changes the start codon (methionine 1).
Molecular consequence: missense variant, initiator codon variant.
Genome position (GRCh38, 1-based): chr13:20,189,581, T>A on the plus strand (A>T on the coding strand, the complement: GJB2 is on the minus strand). VCF-style: chr13-20189581-T-A. GRCh37 (hg19) VCF-style: chr13-20763720-T-A.
Other names: NM_004004.6(GJB2):c.1A>T; p.Met1Leu; short protein forms M1L.
Identifiers: ClinVar variation 550716 (VCV000550716.7), dbSNP rs111033293, ClinGen allele CA387462311.